The following is an entry in ClinVar:

ClinVar aggregate classification (germline): Uncertain significance (1 of 4 stars; one submission).

Allele frequency attached by ClinVar (database versions not stated): TOPMed below 0.00001; gnomAD 0.00001.
gnomAD v4.1: 4 of 1,614,058 alleles (0.00025%); highest among the groups gnomAD compares: Admixed American, 0.0033%; no homozygotes.

Submission:

Labcorp Genetics (formerly Invitae), Labcorp
Classification: Uncertain significance. Last evaluated: 2025-03-31. Review status: criteria provided, single submitter. Criteria: Invitae Variant Classification Sherloc (09022015). Collection method: clinical testing. Allele origin: germline.
Comment: This sequence change replaces glycine, which is neutral and non-polar, with arginine, which is basic and polar, at codon 857 of the ARHGEF10 protein (p.Gly857Arg). This variant is present in population databases (no rsID available, gnomAD no frequency). This variant has not been reported in the literature in individuals affected with ARHGEF10-related conditions. ClinVar contains an entry for this variant (Variation ID: 2891109). Invitae Evidence Modeling of protein sequence and biophysical properties (such as structural, functional, and spatial information, amino acid conservation, physicochemical variation, residue mobility, and thermodynamic stability) indicates that this missense variant is not expected to disrupt ARHGEF10 protein function with a negative predictive value of 80%. In summary, the available evidence is currently insufficient to determine the role of this variant in disease. Therefore, it has been classified as a Variant of Uncertain Significance.

NM_014629.4(ARHGEF10):c.2569G>A (p.Gly857Arg)

Gene: ARHGEF10 (Rho guanine nucleotide exchange factor 10; plus strand). Cytogenetic location: 8p23.3.
Variant type: single nucleotide variant.
Coding change: c.2569G>A on transcript NM_014629.4 (MANE Select); coding-DNA position 2569, G replaced by A.
Protein change: p.Gly857Arg; replaces glycine 857 with arginine.
Molecular consequence: missense variant.
Genome position (GRCh38, 1-based): chr8:1,925,363, G>A. VCF-style: chr8-1925363-G-A. GRCh37 (hg19) VCF-style: chr8-1873529-G-A.
Other names: c.2455G>A, p.Gly819Arg (NM_001308152.2); c.2569G>A, p.Gly857Arg (NM_001308153.3); short protein forms G857R, G881R, G819R.
Identifiers: ClinVar variation 2891109 (VCV002891109.3), dbSNP rs1377386275, ClinGen allele CA369966625.
Genomic context (GRCh38, chr8:1,925,363, plus strand): 5'-TGGTTCTGTGTGGAAGACGATGGGAATCACATTAAAAAGGAGAAGCATCCTCTCCTCGTC[G>A]GACACATGCCCGTGATGGTGGCCAAGCAGCAGGAGTTCAAGGTGAAGGGAGGCAGGGCCC-3'
Protein context (NP_055444.2, residues 847-867): IKKEKHPLLV[Gly857Arg]HMPVMVAKQQ